The following is an entry in ClinVar:

NM_001904.4(CTNNB1):c.1235A>G (p.Asp412Gly)

Genes: CTNNB1 (catenin beta 1; plus strand), LOC126806659 (BRD4-independent group 4 enhancer GRCh37_chr3:41274918-41276117; plus strand). Cytogenetic location: 3p22.1.
Variant type: single nucleotide variant.
Coding change: c.1235A>G on transcript NM_001904.4 (MANE Select); coding-DNA position 1235, A replaced by G.
Protein change: p.Asp412Gly; replaces aspartic acid 412 with glycine.
Molecular consequence: missense variant.
Genome position (GRCh38, 1-based): chr3:41,233,578, A>G. VCF-style: chr3-41233578-A-G. GRCh37 (hg19) VCF-style: chr3-41275069-A-G.
Other names: c.1235A>G, p.Asp412Gly (NM_001098209.2, NM_001098210.2); c.1214A>G, p.Asp405Gly (NM_001330729.2); short protein forms D405G, D412G.
Identifiers: ClinVar variation 1498964 (VCV001498964.6), dbSNP rs779273262, ClinGen allele CA352232631.

ClinVar aggregate classification (germline): Uncertain significance (1 of 4 stars; one submission).

gnomAD v4.1: 1 of 1,614,182 alleles (0.000062%); highest among the groups gnomAD compares: South Asian, 0.0011%; no homozygotes.

Submission:

Labcorp Genetics (formerly Invitae), Labcorp
Classification: Uncertain significance. Last evaluated: 2024-10-17. Review status: criteria provided, single submitter. Criteria: Invitae Variant Classification Sherloc (09022015). Collection method: clinical testing. Allele origin: germline.
Comment: This sequence change replaces aspartic acid, which is acidic and polar, with glycine, which is neutral and non-polar, at codon 412 of the CTNNB1 protein (p.Asp412Gly). This variant is not present in population databases (gnomAD no frequency). This variant has not been reported in the literature in individuals affected with CTNNB1-related conditions. ClinVar contains an entry for this variant (Variation ID: 1498964). Invitae Evidence Modeling of protein sequence and biophysical properties (such as structural, functional, and spatial information, amino acid conservation, physicochemical variation, residue mobility, and thermodynamic stability) indicates that this missense variant is not expected to disrupt CTNNB1 protein function with a negative predictive value of 80%. In summary, the available evidence is currently insufficient to determine the role of this variant in disease. Therefore, it has been classified as a Variant of Uncertain Significance.